The following is an entry in ClinVar:

ClinVar aggregate classification (germline): Conflicting classifications of pathogenicity. Review status: criteria provided, conflicting classifications (1 of 4 stars). 3 submissions from 3 submitters: Likely pathogenic (1); Uncertain significance (2). Last evaluated 2026-03-01.

Conditions:
Bethlem myopathy 1A. Also called: MYOPATHY, BENIGN CONGENITAL, WITH CONTRACTURES; Bethlem myopathy 1; Bethlem Muscular Dystrophy. Identifiers: Orphanet 610, MedGen CN029274, MONDO:0024530, OMIM 158810.

Allele frequency attached by ClinVar (database versions not stated): gnomAD exomes below 0.00001.
gnomAD v4.1: 6 of 1,611,232 alleles (0.00037%); highest among the groups gnomAD compares: Non-Finnish European, 0.00051%; no homozygotes.

Submissions (3):

CeGaT Center for Human Genetics Tuebingen
Classification: Uncertain significance. Last evaluated: 2026-03-01. Review status: criteria provided, single submitter. Criteria: CeGaT Center For Human Genetics Tuebingen Variant Classification Criteria Version 2. Collection method: clinical testing. Allele origin: germline. Affected: yes. Observed: 1 variant allele.
Comment: COL6A1: PM1:Strong, PP3

Labcorp Genetics (formerly Invitae), Labcorp
Classification: Uncertain significance for Bethlem myopathy 1A. Last evaluated: 2022-05-18. Review status: criteria provided, single submitter. Criteria: Invitae Variant Classification Sherloc (09022015). Collection method: clinical testing. Allele origin: germline.
Comment: This sequence change replaces glycine, which is neutral and non-polar, with alanine, which is neutral and non-polar, at codon 389 of the COL6A1 protein (p.Gly389Ala). This variant is not present in population databases (gnomAD no frequency). This variant has not been reported in the literature in individuals affected with COL6A1-related conditions. ClinVar contains an entry for this variant (Variation ID: 1324135). Advanced modeling of protein sequence and biophysical properties (such as structural, functional, and spatial information, amino acid conservation, physicochemical variation, residue mobility, and thermodynamic stability) performed at Invitae indicates that this missense variant is expected to disrupt COL6A1 protein function. This variant disrupts the triple helix domain of COL6A1. Glycine residues within the Gly-Xaa-Yaa repeats of the triple helix domain are required for the structure and stability of fibrillar collagens (PMID: 7695699, 8218237, 19344236). In COL6A1, variants at these glycine residues are significantly enriched in individuals with autosomal dominant disease (PMID: 15689448, 24038877) compared to the general population (ExAC). In summary, the available evidence is currently insufficient to determine the role of this variant in disease. Therefore, it has been classified as a Variant of Uncertain Significance.

Revvity Omics, Revvity
Classification: Likely pathogenic. Last evaluated: 2019-06-05. Review status: criteria provided, single submitter. Criteria: ACMG Guidelines, 2015. Collection method: clinical testing. Allele origin: germline.

Literature cited by the submitters: PubMed 7695699 (cited by Labcorp Genetics (formerly Invitae), Labcorp); PubMed 8218237 (cited by Labcorp Genetics (formerly Invitae), Labcorp); PubMed 19344236 (cited by Labcorp Genetics (formerly Invitae), Labcorp); PubMed 15689448 (cited by Labcorp Genetics (formerly Invitae), Labcorp); PubMed 24038877 (cited by Labcorp Genetics (formerly Invitae), Labcorp).

NM_001848.3(COL6A1):c.1166G>C (p.Gly389Ala)

Gene: COL6A1 (collagen type VI alpha 1 chain; plus strand). Cytogenetic location: 21q22.3.
Variant type: single nucleotide variant.
Coding change: c.1166G>C on transcript NM_001848.3 (MANE Select); coding-DNA position 1166, G replaced by C.
Protein change: p.Gly389Ala; replaces glycine 389 with alanine.
Molecular consequence: missense variant.
Genome position (GRCh38, 1-based): chr21:45,992,056, G>C. VCF-style: chr21-45992056-G-C. GRCh37 (hg19) VCF-style: chr21-47411970-G-C.
Other names: short protein forms G389A.
Identifiers: ClinVar variation 1324135 (VCV001324135.13), dbSNP rs2123474665, ClinGen allele CA410524924.